The following is an entry in ClinVar:

NM_006885.4(ZFHX3):c.2331_2333dup (p.Ala784_Asn785insAla)

Gene: ZFHX3 (zinc finger homeobox 3; minus strand). Cytogenetic location: 16q22.3.
Variant type: Duplication.
Coding change: c.2331_2333dup on transcript NM_006885.4 (MANE Select); coding-DNA positions 2331 to 2333, 3 bases duplicated (GGC; older notation c.2331_2333dupGGC).
Protein change: p.Ala784_Asn785insAla.
Molecular consequence: intron variant (on NM_001164766.2).
Genome position (GRCh38, 1-based): chr16:72,957,813-72,957,815, GCC duplicated on the plus strand (GGC on the coding strand, the reverse complement: ZFHX3 is on the minus strand). VCF-style (leftmost placement, unchanged base first): chr16-72957812-A-AGCC. GRCh37 (hg19) VCF-style: chr16-72991711-A-AGCC.
Other names: c.2331_2333dup, p.Ala784_Asn785insAla (NM_001386735.1); c.-23-6850_-23-6848dup (NM_001164766.2).
Identifiers: ClinVar variation 4083875 (VCV004083875.8).
Genomic context (GRCh38, chr16:72,957,812, plus strand): 5'-TGGTTTGGTCGGCGAGGGGGCCCCGCAGGAGCTACTGATATTGGCTGCCGCCGCCGCCGC[A>AGCC]GCCACCGCCGCCGCCGCCGCCCCGGCAGTGTGGCTGAAGACCTGCTCCCCCCCTCCATTC-3'

ClinVar aggregate classification (germline): Likely benign (1 of 4 stars; one submission).

Submission:

CeGaT Center for Human Genetics Tuebingen
Classification: Likely benign. Last evaluated: 2026-04-01. Review status: criteria provided, single submitter. Criteria: CeGaT Center For Human Genetics Tuebingen Variant Classification Criteria Version 2. Collection method: clinical testing. Allele origin: germline. Affected: yes. Observed: 3 variant alleles.
Comment: ZFHX3: BS2